The following is an entry in ClinVar:

NM_001220.5(CAMK2B):c.984C>A (p.Thr328=)

Gene: CAMK2B (calcium/calmodulin dependent protein kinase II beta; minus strand). Cytogenetic location: 7p13.
Variant type: single nucleotide variant.
Coding change: c.984C>A on transcript NM_001220.5 (MANE Select); coding-DNA position 984, C replaced by A.
Protein change: p.Thr328=; no amino-acid change (threonine 328 retained).
Molecular consequence: synonymous variant. On other transcripts: intron variant (5).
Genome position (GRCh38, 1-based): chr7:44,239,626, G>T on the plus strand (C>A on the coding strand, the complement: CAMK2B is on the minus strand). VCF-style: chr7-44239626-G-T. GRCh37 (hg19) VCF-style: chr7-44279225-G-T.
Other names: c.984C>A (NM_001220.4); c.984C>A, p.Thr328= (NM_001293170.2, NM_172078.3, NM_172082.3); c.946+1081C>A (NM_172084.3, NM_172080.3, NM_172083.3 and 2 more transcripts).
Identifiers: ClinVar variation 1346862 (VCV001346862.9), dbSNP rs1383187454, ClinGen allele CA454588252.

ClinVar aggregate classification (germline): Likely benign. Review status: criteria provided, multiple submitters, no conflicts (2 of 4 stars). 2 submissions from 2 submitters: Likely benign (2). Last evaluated 2026-01-13.

Conditions:
CAMK2B-related disorder. Also called: CAMK2B-related condition.

Allele frequency attached by ClinVar (database versions not stated): gnomAD 0.00001; gnomAD exomes 0.00001.
gnomAD v4.1: 78 of 1,550,306 alleles (0.005%); highest among the groups gnomAD compares: Non-Finnish European, 0.0063%; no homozygotes.

Submissions (2):

PreventionGenetics, part of Exact Sciences
Classification: Likely benign for CAMK2B-related condition. Last evaluated: 2026-01-13. Review status: criteria provided, single submitter. Criteria: ACMG Guidelines, 2015. Collection method: clinical testing. Allele origin: germline.
Comment: This variant is classified as likely benign based on ACMG/AMP sequence variant interpretation guidelines (Richards et al. 2015 PMID: 25741868, with internal and published modifications).

Labcorp Genetics (formerly Invitae), Labcorp
Classification: Likely benign. Last evaluated: 2025-03-16. Review status: criteria provided, single submitter. Criteria: Invitae Variant Classification Sherloc (09022015). Collection method: clinical testing. Allele origin: germline.